The following is an entry in ClinVar:

NM_001868.4(CPA1):c.589A>C (p.Thr197Pro)

Gene: CPA1 (carboxypeptidase A1; plus strand). Cytogenetic location: 7q32.2.
Variant type: single nucleotide variant.
Coding change: c.589A>C on transcript NM_001868.4 (MANE Select); coding-DNA position 589, A replaced by C.
Protein change: p.Thr197Pro; replaces threonine 197 with proline.
Molecular consequence: missense variant.
Genome position (GRCh38, 1-based): chr7:130,383,687, A>C. VCF-style: chr7-130383687-A-C. GRCh37 (hg19) VCF-style: chr7-130023528-A-C.
Other names: short protein forms T197P.
Identifiers: ClinVar variation 1750348 (VCV001750348.3), dbSNP rs782752399, ClinGen allele CA4484866.

ClinVar aggregate classification (germline): Uncertain significance (1 of 4 stars; one submission).

Conditions:
Hereditary pancreatitis (PCTT). Also called: Hereditary chronic pancreatitis; PRSS1-Related Hereditary Pancreatitis. Identifiers: Orphanet 676, MedGen C0238339, MONDO:0008185, OMIM 167800.

Allele frequency attached by ClinVar (database versions not stated): TOPMed below 0.00001; ExAC 0.00001; gnomAD exomes 0.00001; gnomAD 0.00002.
gnomAD v4.1: 11 of 1,612,376 alleles (0.00068%); highest among the groups gnomAD compares: Admixed American, 0.0033%; no homozygotes.

Submission:

Ambry Genetics
Classification: Uncertain significance for Hereditary pancreatitis. Last evaluated: 2025-10-29. Review status: criteria provided, single submitter. Criteria: Ambry Variant Classification Scheme 2023. Collection method: clinical testing. Allele origin: germline.
Comment: The p.T197P variant (also known as c.589A>C), located in coding exon 6 of the CPA1 gene, results from an A to C substitution at nucleotide position 589. The threonine at codon 197 is replaced by proline, an amino acid with highly similar properties. This amino acid position is not well conserved in available vertebrate species. In addition, this alteration is predicted to be tolerated by in silico analysis. Since supporting evidence is limited at this time, the clinical significance of this alteration remains unclear.